The following is an entry in ClinVar:

ClinVar aggregate classification (germline): Uncertain significance (1 of 4 stars; one submission).

Conditions:
Oligodontia-cancer predisposition syndrome. Also called: TOOTH AGENESIS-COLORECTAL CANCER SYNDROME. Identifiers: Orphanet 300576, MedGen C1837750, MONDO:0012075, OMIM 608615. Disease mechanism: loss of function.

Submission:

Labcorp Genetics (formerly Invitae), Labcorp
Classification: Uncertain significance for Oligodontia-cancer predisposition syndrome. Last evaluated: 2024-09-21. Review status: criteria provided, single submitter. Criteria: Invitae Variant Classification Sherloc (09022015). Collection method: clinical testing. Allele origin: germline.
Comment: This sequence change replaces alanine, which is neutral and non-polar, with valine, which is neutral and non-polar, at codon 372 of the AXIN2 protein (p.Ala372Val). This variant is not present in population databases (gnomAD no frequency). This variant has not been reported in the literature in individuals affected with AXIN2-related conditions. Invitae Evidence Modeling of protein sequence and biophysical properties (such as structural, functional, and spatial information, amino acid conservation, physicochemical variation, residue mobility, and thermodynamic stability) indicates that this missense variant is not expected to disrupt AXIN2 protein function with a negative predictive value of 80%. In summary, the available evidence is currently insufficient to determine the role of this variant in disease. Therefore, it has been classified as a Variant of Uncertain Significance.

NM_004655.4(AXIN2):c.1115C>T (p.Ala372Val)

Gene: AXIN2 (axin 2; minus strand). Cytogenetic location: 17q24.1.
Variant type: single nucleotide variant.
Coding change: c.1115C>T on transcript NM_004655.4 (MANE Select); coding-DNA position 1115, C replaced by T.
Protein change: p.Ala372Val; replaces alanine 372 with valine.
Molecular consequence: missense variant.
Genome position (GRCh38, 1-based): chr17:65,538,288, G>A on the plus strand (C>T on the coding strand, the complement: AXIN2 is on the minus strand). VCF-style: chr17-65538288-G-A. GRCh37 (hg19) VCF-style: chr17-63534406-G-A.
Other names: c.1115C>T, p.Ala372Val (NM_001363813.1); short protein forms A372V.
Identifiers: ClinVar variation 3665719 (VCV003665719.2).